The following is an entry in ClinVar:

ClinVar aggregate classification (germline): Uncertain significance (1 of 4 stars; one submission).

Submission:

Labcorp Genetics (formerly Invitae), Labcorp
Classification: Uncertain significance. Last evaluated: 2024-04-25. Review status: criteria provided, single submitter. Criteria: Invitae Variant Classification Sherloc (09022015). Collection method: clinical testing. Allele origin: germline.
Comment: This sequence change replaces alanine, which is neutral and non-polar, with valine, which is neutral and non-polar, at codon 1082 of the USH2A protein (p.Ala1082Val). This variant is not present in population databases (gnomAD no frequency). This variant has not been reported in the literature in individuals affected with USH2A-related conditions. ClinVar contains an entry for this variant (Variation ID: 1496070). Advanced modeling of protein sequence and biophysical properties (such as structural, functional, and spatial information, amino acid conservation, physicochemical variation, residue mobility, and thermodynamic stability) has been performed at Invitae for this missense variant, however the output from this modeling did not meet the statistical confidence thresholds required to predict the impact of this variant on USH2A protein function. In summary, the available evidence is currently insufficient to determine the role of this variant in disease. Therefore, it has been classified as a Variant of Uncertain Significance.

NM_206933.4(USH2A):c.3245C>T (p.Ala1082Val)

Genes: USH2A (usherin; minus strand), USH2A-AS1 (USH2A antisense RNA 1; plus strand). Cytogenetic location: 1q41.
Variant type: single nucleotide variant.
Coding change: c.3245C>T on transcript NM_206933.4 (MANE Select); coding-DNA position 3245, C replaced by T.
Protein change: p.Ala1082Val; replaces alanine 1082 with valine.
Molecular consequence: missense variant.
Genome position (GRCh38, 1-based): chr1:216,207,344, G>A on the plus strand (C>T on the coding strand, the complement: USH2A is on the minus strand). VCF-style: chr1-216207344-G-A. GRCh37 (hg19) VCF-style: chr1-216380686-G-A.
Other names: c.3245C>T, p.Ala1082Val (NM_007123.6); short protein forms A1082V.
Identifiers: ClinVar variation 1496070 (VCV001496070.8), dbSNP rs2102480859, ClinGen allele CA344862464.
Genomic context (GRCh38, chr1:216,207,344, plus strand): 5'-TGATCCTCTGTTGTGTAGATTTCAAAACCATCCCTGAGTAAACTGTAAGTAAGCCAGTGG[G>A]CATTTGGAGAATCAGGTGGACTCCAGGAGAGATTGATAGCAGAAGAACTTTGAACTTGTC-3'
Protein context (NP_996816.3, residues 1072-1092): LSWSPPDSPN[Ala1082Val]HWLTYSLLRD